The following is an entry in ClinVar:

ClinVar aggregate classification (germline): Uncertain significance. Review status: criteria provided, multiple submitters, no conflicts (2 of 4 stars). 2 submissions from 2 submitters: Uncertain significance (2). Last evaluated 2026-04-23.

Allele frequency attached by ClinVar (database versions not stated): gnomAD 0.00002; TOPMed 0.00002.
gnomAD v4.1: 3 of 1,209,174 alleles (0.00025%); highest among the groups gnomAD compares: African/African-American, 0.0035%; no homozygotes.

Submissions (2):

GeneDx
Classification: Uncertain significance. Last evaluated: 2026-04-23. Review status: criteria provided, single submitter. Criteria: GeneDx Variant Classification Process June 2021. Collection method: clinical testing. Allele origin: germline.
Comment: In silico analysis supports that this missense variant has a deleterious effect on protein structure/function; Has not been previously published as pathogenic or benign to our knowledge

Ambry Genetics
Classification: Uncertain significance. Last evaluated: 2025-07-16. Review status: criteria provided, single submitter. Criteria: Ambry Variant Classification Scheme 2023. Collection method: clinical testing. Allele origin: germline.

NM_144658.4(DOCK11):c.5526T>A (p.Phe1842Leu)

Gene: DOCK11 (dedicator of cytokinesis 11; plus strand). Cytogenetic location: Xq24.
Variant type: single nucleotide variant.
Coding change: c.5526T>A on transcript NM_144658.4 (MANE Select); coding-DNA position 5526, T replaced by A.
Protein change: p.Phe1842Leu; replaces phenylalanine 1842 with leucine.
Molecular consequence: missense variant.
Genome position (GRCh38, 1-based): chrX:118,680,547, T>A. VCF-style: chrX-118680547-T-A. GRCh37 (hg19) VCF-style: chrX-117814510-T-A.
Other names: short protein forms F1842L.
Identifiers: ClinVar variation 3084973 (VCV003084973.3), dbSNP rs1264898806, ClinGen allele CA414168642.